The following is an entry in ClinVar:

NM_001377.3(DYNC2H1):c.11310T>G (p.Cys3770Trp)

Gene: DYNC2H1 (dynein cytoplasmic 2 heavy chain 1; plus strand). Cytogenetic location: 11q22.3.
Variant type: single nucleotide variant.
Coding change: c.11310T>G on transcript NM_001377.3 (MANE Select); coding-DNA position 11310, T replaced by G.
Protein change: p.Cys3770Trp; replaces cysteine 3770 with tryptophan.
Molecular consequence: missense variant.
Genome position (GRCh38, 1-based): chr11:103,304,648, T>G. VCF-style: chr11-103304648-T-G. GRCh37 (hg19) VCF-style: chr11-103175377-T-G.
Other names: c.11331T>G, p.Cys3777Trp (NM_001080463.2); short protein forms C3777W, C3770W.
Identifiers: ClinVar variation 302110 (VCV000302110.8), dbSNP rs771899759, ClinGen allele CA6255228.

ClinVar aggregate classification (germline): Uncertain significance. Review status: criteria provided, multiple submitters, no conflicts (2 of 4 stars). 2 submissions from 2 submitters: Uncertain significance (2). Last evaluated 2022-09-13.

Conditions:
Asphyxiating thoracic dystrophy 3. Also called: SHORT-RIB THORACIC DYSPLASIA 3 WITH OR WITHOUT POLYDACTYLY; POLYDACTYLY WITH NEONATAL CHONDRODYSTROPHY, TYPE I; SHORT-RIB THORACIC DYSPLASIA 3/6 WITH POLYDACTYLY, DIGENIC; Short rib polydactyly syndrome 2B; Saldino-Noonan Syndrome. Identifiers: Orphanet 474, Orphanet 93269, Orphanet 93270, Orphanet 93271, MedGen C0036069, MONDO:0013127, OMIM 613091.
Jeune thoracic dystrophy. Also called: Short-rib thoracic dysplasia; Jeune syndrome; Infantile thoracic dystrophy; Thoracic pelvic phalangeal dystrophy; Jeune's syndrome; Chondroectodermal dysplasia-like syndrome. Identifiers: Orphanet 474, MedGen C0265275, MONDO:0018770.

Allele frequency attached by ClinVar (database versions not stated): TOPMed below 0.00001; gnomAD exomes 0.00001; ExAC 0.00002.
gnomAD v4.1: 4 of 1,613,504 alleles (0.00025%); highest among the groups gnomAD compares: Admixed American, 0.0067%; no homozygotes.

Submissions (2):

Labcorp Genetics (formerly Invitae), Labcorp
Classification: Uncertain significance for Jeune thoracic dystrophy. Last evaluated: 2022-09-13. Review status: criteria provided, single submitter. Criteria: Invitae Variant Classification Sherloc (09022015). Collection method: clinical testing. Allele origin: germline.
Comment: This sequence change replaces cysteine, which is neutral and slightly polar, with tryptophan, which is neutral and slightly polar, at codon 3777 of the DYNC2H1 protein (p.Cys3777Trp). This variant is present in population databases (rs771899759, gnomAD 0.009%). This variant has not been reported in the literature in individuals affected with DYNC2H1-related conditions. ClinVar contains an entry for this variant (Variation ID: 302110). Advanced modeling of protein sequence and biophysical properties (such as structural, functional, and spatial information, amino acid conservation, physicochemical variation, residue mobility, and thermodynamic stability) performed at Invitae indicates that this missense variant is expected to disrupt DYNC2H1 protein function. In summary, the available evidence is currently insufficient to determine the role of this variant in disease. Therefore, it has been classified as a Variant of Uncertain Significance.

Illumina Laboratory Services, Illumina
Classification: Uncertain significance for Asphyxiating thoracic dystrophy 3. Last evaluated: 2018-01-13. Review status: criteria provided, single submitter. Criteria: ICSL Variant Classification Criteria 13 December 2019. Collection method: clinical testing. Allele origin: germline.